The following is an entry in ClinVar:

NM_000632.4(ITGAM):c.778G>A (p.Glu260Lys)

Genes: ITGAM (integrin subunit alpha M; plus strand), LOC126862332 (BRD4-independent group 4 enhancer GRCh37_chr16:31284654-31285853; plus strand). Cytogenetic location: 16p11.2.
Variant type: single nucleotide variant.
Coding change: c.778G>A on transcript NM_000632.4 (MANE Select); coding-DNA position 778, G replaced by A.
Protein change: p.Glu260Lys; replaces glutamic acid 260 with lysine.
Molecular consequence: missense variant.
Genome position (GRCh38, 1-based): chr16:31,273,438, G>A. VCF-style: chr16-31273438-G-A. GRCh37 (hg19) VCF-style: chr16-31284759-G-A.
Other names: c.778G>A, p.Glu260Lys (NM_001145808.2); short protein forms E260K.
Identifiers: ClinVar variation 2752578 (VCV002752578.3), dbSNP rs2544388111, ClinGen allele CA395694494.

ClinVar aggregate classification (germline): Uncertain significance (1 of 4 stars; one submission).

Allele frequency attached by ClinVar (database versions not stated): gnomAD exomes below 0.00001.
gnomAD v4.1: 1 of 1,613,932 alleles (0.000062%); highest among the groups gnomAD compares: Non-Finnish European, 0.000085%; no homozygotes.

Submission:

Labcorp Genetics (formerly Invitae), Labcorp
Classification: Uncertain significance. Last evaluated: 2023-08-14. Review status: criteria provided, single submitter. Criteria: Invitae Variant Classification Sherloc (09022015). Collection method: clinical testing. Allele origin: germline.
Comment: In summary, the available evidence is currently insufficient to determine the role of this variant in disease. Therefore, it has been classified as a Variant of Uncertain Significance. An algorithm developed to predict the effect of missense changes on protein structure and function (PolyPhen-2) suggests that this variant is likely to be disruptive. This variant has not been reported in the literature in individuals affected with ITGAM-related conditions. This variant is not present in population databases (gnomAD no frequency). This sequence change replaces glutamic acid, which is acidic and polar, with lysine, which is basic and polar, at codon 260 of the ITGAM protein (p.Glu260Lys).